The following is an entry in ClinVar:

ClinVar aggregate classification (germline): Likely benign. Review status: criteria provided, multiple submitters, no conflicts (2 of 4 stars). 3 submissions from 3 submitters: Likely benign (2). 1 of the submissions does not count toward it. Last evaluated 2026-01-05.

Conditions:
COL18A1-related disorder. Also called: COL18A1-related disorders; COL18A1-related condition.

Allele frequency attached by ClinVar (database versions not stated): gnomAD 0.00004; TOPMed 0.00005; ExAC 0.00006; gnomAD exomes 0.00006; ESP Exome Variant Server 0.00008; 1000 Genomes Project 30x 0.00016; 1000 Genomes Project 0.00020.
gnomAD v4.1: 144 of 1,613,900 alleles (0.0089%); highest among the groups gnomAD compares: Non-Finnish European, 0.011%; no homozygotes.

Submissions (3):

Labcorp Genetics (formerly Invitae), Labcorp
Classification: Likely benign. Last evaluated: 2026-01-05. Review status: criteria provided, single submitter. Criteria: Invitae Variant Classification Sherloc (09022015). Collection method: clinical testing. Allele origin: germline.

Blueprint Genetics
Classification: Likely benign. Last evaluated: 2023-10-13. Review status: criteria provided, single submitter. Criteria: ACMG Guidelines, 2015. Collection method: clinical testing. Allele origin: germline.

PreventionGenetics, part of Exact Sciences
Classification: Likely benign for COL18A1-related condition. Last evaluated: 2023-10-09. Review status: no assertion criteria provided. Collection method: clinical testing. Allele origin: germline. Not counted in ClinVar's aggregate classification.
Comment: This variant is classified as likely benign based on ACMG/AMP sequence variant interpretation guidelines (Richards et al. 2015 PMID: 25741868, with internal and published modifications).

NM_001379500.1(COL18A1):c.799-10C>T

Gene: COL18A1 (collagen type XVIII alpha 1 chain; plus strand). Cytogenetic location: 21q22.3.
Variant type: single nucleotide variant.
Coding change: c.799-10C>T on transcript NM_001379500.1 (MANE Select); 10 bases into the intron before coding-DNA position 799, C replaced by T.
Molecular consequence: intron variant.
Genome position (GRCh38, 1-based): chr21:45,476,341, C>T. VCF-style: chr21-45476341-C-T. GRCh37 (hg19) VCF-style: chr21-46896255-C-T.
Other names: c.1339-10C>T (NM_030582.3, NM_030582.4); c.2044-10C>T (NM_130444.3).
Identifiers: ClinVar variation 1670254 (VCV001670254.11), dbSNP rs370247182, ClinGen allele CA10065933.
Genomic context (GRCh38, chr21:45,476,341, plus strand): 5'-ACAAACCAAGCAAGTCTCCACCGGGCATCTGCCGGCCGAATAACAGGCCACCTCCCCTCT[C>T]GTCCTCCAGGGCGCGGCCCTAAAACCCAGGCTCCCCGCGCCACCCCCCGTCACCACGCCA-3'